The following is an entry in ClinVar:

ClinVar aggregate classification (germline): Likely pathogenic (1 of 4 stars; one submission).

Conditions:
Gastrointestinal stromal tumor. Also called: Gastrointestinal stromal tumor, somatic; Gastrointestinal stroma tumor. Identifiers: Orphanet 44890, MedGen C0238198, MeSH D046152, MONDO:0011719, OMIM 606764, HP:0100723.
Pheochromocytoma/paraganglioma syndrome 3. Also called: GLOMUS TUMORS, FAMILIAL, 3; SDHC-Related Hereditary Paraganglioma-Pheochromocytoma Syndrome; Paragangliomas 3; SDHC-Related Hereditary Paraganglioma-Pheochromocytoma Syndrome (Paragangliomas 3). Identifiers: Orphanet 29072, MedGen C1854336, MONDO:0011544, OMIM 605373.

Submission:

Labcorp Genetics (formerly Invitae), Labcorp
Classification: Likely pathogenic for Paragangliomas 3; Gastrointestinal stromal tumor. Last evaluated: 2019-10-23. Review status: criteria provided, single submitter. Criteria: Invitae Variant Classification Sherloc (09022015). Collection method: clinical testing. Allele origin: germline.
Comment: This variant results in the deletion of part of exon 3 (c.171_179+15del) of the SDHC gene. It is expected to disrupt RNA splicing and likely results in an absent or disrupted protein product. This variant has not been reported in the literature in individuals with SDHC-related conditions. Loss-of-function variants in SDHC are known to be pathogenic (PMID: 19454582, 24758179). In summary, the currently available evidence indicates that the variant is pathogenic, but additional data are needed to prove that conclusively. Therefore, this variant has been classified as Likely Pathogenic.

NM_003001.5(SDHC):c.171_179+15del

Gene: SDHC (succinate dehydrogenase complex subunit C; plus strand). Cytogenetic location: 1q23.3.
Variant type: Deletion.
Coding change: c.171_179+15del on transcript NM_003001.5 (MANE Select); coding-DNA position 171 through 15 bases into the intron after coding-DNA position 179, 24 bases deleted (TATCTACAGGTAAGGAAGGATTCT).
Molecular consequence: splice donor variant. On other transcripts: intron variant (4).
Genome position (GRCh38, 1-based): chr1:161,328,489-161,328,512, TATCTACAGGTAAGGAAGGATTCT deleted. VCF-style (leftmost placement, unchanged base first): chr1-161328488-CTATCTACAGGTAAGGAAGGATTCT-C. GRCh37 (hg19) VCF-style: chr1-161298278-CTATCTACAGGTAAGGAAGGATTCT-C.
Other names: c.60_68+15del (NM_001407119.1, NM_001407120.1); c.171_179+15del (NM_001407115.1, NM_001035511.3); c.77+4819_77+4842del (NM_001035512.3, NM_001278172.3, NM_001407118.1); c.114_122+15del (NM_001407116.1, NM_001407121.1, NM_001407117.1); c.21-12105_21-12082del (NM_001035513.3).
Identifiers: ClinVar variation 968515 (VCV000968515.2), dbSNP rs1671156558, ClinGen allele CA1139655527.